The following is an entry in ClinVar:

NM_003597.5(KLF11):c.25C>G (p.Pro9Ala)

Gene: KLF11 (KLF transcription factor 11; plus strand). Cytogenetic location: 2p25.1.
Variant type: single nucleotide variant.
Coding change: c.25C>G on transcript NM_003597.5 (MANE Select); coding-DNA position 25, C replaced by G.
Protein change: p.Pro9Ala; replaces proline 9 with alanine.
Molecular consequence: missense variant.
Genome position (GRCh38, 1-based): chr2:10,043,741, C>G. VCF-style: chr2-10043741-C-G. GRCh37 (hg19) VCF-style: chr2-10183868-C-G.
Other names: short protein forms P9A.
Identifiers: ClinVar variation 4747899 (VCV004747899.1).

ClinVar aggregate classification (germline): Uncertain significance (1 of 4 stars; one submission).

Submission:

Labcorp Genetics (formerly Invitae), Labcorp
Classification: Uncertain significance. Last evaluated: 2025-04-18. Review status: criteria provided, single submitter. Criteria: Invitae Variant Classification Sherloc (09022015). Collection method: clinical testing. Allele origin: germline.
Comment: This sequence change replaces proline, which is neutral and non-polar, with alanine, which is neutral and non-polar, at codon 9 of the KLF11 protein (p.Pro9Ala). This variant is present in population databases (no rsID available, gnomAD 0.01%). This variant has not been reported in the literature in individuals affected with KLF11-related conditions. An algorithm developed to predict the effect of missense changes on protein structure and function outputs the following: PolyPhen-2: "Benign". The alanine amino acid residue is found in multiple mammalian species, which suggests that this missense change does not adversely affect protein function. In summary, the available evidence is currently insufficient to determine the role of this variant in disease. Therefore, it has been classified as a Variant of Uncertain Significance.